The following is an entry in ClinVar:

ClinVar aggregate classification (germline): Conflicting classifications of pathogenicity. Review status: criteria provided, conflicting classifications (1 of 4 stars). 9 submissions from 9 submitters: Uncertain significance (1); Benign (1); Likely benign (3). 4 of the submissions do not count toward it. Last evaluated 2026-01-06.

Conditions:
KMT2D-related disorder. Also called: KMT2D-Related Disorders.
Kabuki syndrome. Also called: Kabuki make-up syndrome; NIIKAWA-KUROKI SYNDROME. Identifiers: Orphanet 2322, MedGen C0796004, MONDO:0016512.

Allele frequency attached by ClinVar (database versions not stated): gnomAD 0.00016 and 0.00017; TOPMed 0.00016; ExAC 0.00017; gnomAD exomes 0.00017 and 0.00028; ESP Exome Variant Server 0.00032.
gnomAD v4.1: 423 of 1,613,570 alleles (0.026%); highest among the groups gnomAD compares: Non-Finnish European, 0.034%; no homozygotes.

Submissions (9):

Labcorp Genetics (formerly Invitae), Labcorp
Classification: Likely benign for Kabuki syndrome. Last evaluated: 2026-01-06. Review status: criteria provided, single submitter. Criteria: Invitae Variant Classification Sherloc (09022015). Collection method: clinical testing. Allele origin: germline.

Athena Diagnostics
Classification: Benign. Last evaluated: 2025-02-26. Review status: criteria provided, single submitter. Criteria: Athena Diagnostics Criteria. Collection method: clinical testing. Allele origin: unknown.
Comment: The frequency of this variant in the general population is higher than would generally be expected for pathogenic variants in this gene. Computational tools yielded predictions that this variant is unlikely to have an effect on normal RNA splicing.

Laboratory of Genetics, Children's Clinical University Hospital Latvia
Classification: Likely benign. Last evaluated: 2025-02-16. Review status: criteria provided, single submitter. Criteria: ACMG Guidelines, 2015. Collection method: clinical testing. Allele origin: germline. Affected: yes.

Blueprint Genetics
Classification: Likely benign. Last evaluated: 2024-10-09. Review status: criteria provided, single submitter. Criteria: ACMG Guidelines, 2015. Collection method: clinical testing. Allele origin: germline.

Eurofins Ntd Llc (ga)
Classification: Uncertain significance. Last evaluated: 2012-09-14. Review status: criteria provided, single submitter. Criteria: EGL Classification Definitions 2015. Collection method: clinical testing. Allele origin: germline. Observed: 1 variant allele, 1 heterozygote.

Genetic Services Laboratory, University of Chicago
Classification: Likely benign. Last evaluated: 2022-12-02. Review status: no assertion criteria provided. Collection method: clinical testing. Allele origin: germline. Affected: no. Not counted in ClinVar's aggregate classification.

PreventionGenetics, part of Exact Sciences
Classification: Likely benign for KMT2D-related condition. Last evaluated: 2020-11-15. Review status: no assertion criteria provided. Collection method: clinical testing. Allele origin: germline. Not counted in ClinVar's aggregate classification.
Comment: This variant is classified as likely benign based on ACMG/AMP sequence variant interpretation guidelines (Richards et al. 2015 PMID: 25741868, with internal and published modifications).

Clinical Genetics DNA and cytogenetics Diagnostics Lab, Erasmus MC, Erasmus Medical Center
Classification: Likely benign. Review status: no assertion criteria provided. Collection method: clinical testing. Allele origin: germline. Affected: yes. Study: VKGL Data-share Consensus. Not counted in ClinVar's aggregate classification.

Genome Diagnostics Laboratory, Amsterdam University Medical Center
Classification: Likely benign. Review status: no assertion criteria provided. Collection method: clinical testing. Allele origin: germline. Affected: yes. Study: VKGL Data-share Consensus. Not counted in ClinVar's aggregate classification.

NM_003482.4(KMT2D):c.6264C>T (p.Thr2088=)

Gene: KMT2D (lysine methyltransferase 2D; minus strand). Cytogenetic location: 12q13.12.
Variant type: single nucleotide variant.
Coding change: c.6264C>T on transcript NM_003482.4 (MANE Select); coding-DNA position 6264, C replaced by T.
Protein change: p.Thr2088=; no amino-acid change (threonine 2088 retained).
Molecular consequence: synonymous variant.
Genome position (GRCh38, 1-based): chr12:49,041,506, G>A on the plus strand (C>T on the coding strand, the complement: KMT2D is on the minus strand). VCF-style: chr12-49041506-G-A. GRCh37 (hg19) VCF-style: chr12-49435289-G-A.
Identifiers: ClinVar variation 94234 (VCV000094234.23), dbSNP rs370414767, ClinGen allele CA222092.